The following is an entry in ClinVar:

ClinVar aggregate classification (germline): Likely benign. Review status: criteria provided, multiple submitters, no conflicts (2 of 4 stars). 2 submissions from 2 submitters: Likely benign (2). Last evaluated 2023-03-23.

Conditions:
Hereditary cancer-predisposing syndrome. Also called: Neoplastic Syndromes, Hereditary; Tumor predisposition; Hereditary neoplastic syndrome; Hereditary Cancer Syndrome. Identifiers: Orphanet 140162, MedGen C0027672, MeSH D009386, MONDO:0015356.

Allele frequency attached by ClinVar (database versions not stated): gnomAD exomes below 0.00001.

Submissions (2):

University of Washington Department of Laboratory Medicine, University of Washington
Classification: Likely benign for Hereditary cancer-predisposing syndrome. Last evaluated: 2023-03-23. Review status: criteria provided, single submitter. Criteria: Dines et al. (Genet Med. 2020). Collection method: curation. Allele origin: germline.
Comment: Missense variant in a coldspot region where missense variants are very unlikely to be pathogenic (PMID:31911673).

BRCA2 exon 11 coldspot. Reclassification based on statistical prior probability.

Ambry Genetics
Classification: Likely benign for Hereditary cancer-predisposing syndrome. Last evaluated: 2019-12-13. Review status: criteria provided, single submitter. Criteria: Ambry Variant Classification Scheme 2023. Collection method: clinical testing. Allele origin: germline.

NM_000059.4(BRCA2):c.5147A>G (p.Tyr1716Cys)

Gene: BRCA2 (BRCA2 DNA repair associated; plus strand). Cytogenetic location: 13q13.1.
Variant type: single nucleotide variant.
Coding change: c.5147A>G on transcript NM_000059.4 (MANE Select); coding-DNA position 5147, A replaced by G.
Protein change: p.Tyr1716Cys; replaces tyrosine 1716 with cysteine.
Molecular consequence: missense variant.
Genome position (GRCh38, 1-based): chr13:32,339,502, A>G. VCF-style: chr13-32339502-A-G. GRCh37 (hg19) VCF-style: chr13-32913639-A-G.
Other names: short protein forms Y1716C.
Identifiers: ClinVar variation 825477 (VCV000825477.6), dbSNP rs1593904537, ClinGen allele CA387784212.